The following is an entry in ClinVar:

NM_004360.5(CDH1):c.2396C>T (p.Pro799Leu)

Gene: CDH1 (cadherin 1; plus strand). Cytogenetic location: 16q22.1.
Variant type: single nucleotide variant.
Coding change: c.2396C>T on transcript NM_004360.5 (MANE Select); coding-DNA position 2396, C replaced by T.
Protein change: p.Pro799Leu; replaces proline 799 with leucine.
Molecular consequence: missense variant.
Genome position (GRCh38, 1-based): chr16:68,829,754, C>T. VCF-style: chr16-68829754-C-T. GRCh37 (hg19) VCF-style: chr16-68863657-C-T.
Other names: c.2213C>T, p.Pro738Leu (NM_001317184.2); c.848C>T, p.Pro283Leu (NM_001317185.2); c.431C>T, p.Pro144Leu (NM_001317186.2); short protein forms P144L, P738L, P799L, P283L.
Identifiers: ClinVar variation 1790622 (VCV001790622.2), dbSNP rs587781335, ClinGen allele CA396471197.

ClinVar aggregate classification (germline): Uncertain significance (1 of 4 stars; one submission).

Conditions:
Hereditary cancer-predisposing syndrome. Also called: Hereditary Cancer Syndrome; Hereditary neoplastic syndrome; Tumor predisposition; Neoplastic Syndromes, Hereditary. Identifiers: Orphanet 140162, MedGen C0027672, MeSH D009386, MONDO:0015356.

Submission:

Ambry Genetics
Classification: Uncertain significance for Hereditary cancer-predisposing syndrome. Last evaluated: 2022-01-27. Review status: criteria provided, single submitter. Criteria: Ambry Variant Classification Scheme 2023. Collection method: clinical testing. Allele origin: germline.
Comment: The p.P799L variant (also known as c.2396C>T), located in coding exon 15 of the CDH1 gene, results from a C to T substitution at nucleotide position 2396. The proline at codon 799 is replaced by leucine, an amino acid with similar properties. This amino acid position is highly conserved in available vertebrate species. In addition, the in silico prediction for this alteration is inconclusive. Since supporting evidence is limited at this time, the clinical significance of this alteration remains unclear.